The following is an entry in ClinVar:

ClinVar aggregate classification (germline): Uncertain significance (1 of 4 stars; one submission).

Submission:

Labcorp Genetics (formerly Invitae), Labcorp
Classification: Uncertain significance. Last evaluated: 2025-04-02. Review status: criteria provided, single submitter. Criteria: Invitae Variant Classification Sherloc (09022015). Collection method: clinical testing. Allele origin: germline.
Comment: This sequence change replaces aspartic acid, which is acidic and polar, with tyrosine, which is neutral and polar, at codon 42 of the EFTUD2 protein (p.Asp42Tyr). This variant is not present in population databases (gnomAD no frequency). This variant has not been reported in the literature in individuals affected with EFTUD2-related conditions. An algorithm developed to predict the effect of missense changes on protein structure and function (PolyPhen-2) suggests that this variant is likely to be tolerated. In summary, the available evidence is currently insufficient to determine the role of this variant in disease. Therefore, it has been classified as a Variant of Uncertain Significance.

NM_004247.4(EFTUD2):c.124G>T (p.Asp42Tyr)

Gene: EFTUD2 (elongation factor Tu GTP binding domain containing 2; minus strand). Cytogenetic location: 17q21.31.
Variant type: single nucleotide variant.
Coding change: c.124G>T on transcript NM_004247.4 (MANE Select); coding-DNA position 124, G replaced by T.
Protein change: p.Asp42Tyr; replaces aspartic acid 42 with tyrosine.
Molecular consequence: missense variant.
Genome position (GRCh38, 1-based): chr17:44,886,732, C>A on the plus strand (G>T on the coding strand, the complement: EFTUD2 is on the minus strand). VCF-style: chr17-44886732-C-A. GRCh37 (hg19) VCF-style: chr17-42964100-C-A.
Other names: c.19G>T, p.Asp7Tyr (NM_001142605.2); c.124G>T, p.Asp42Tyr (NM_001258353.2, NM_001258354.2); short protein forms D7Y, D42Y.
Identifiers: ClinVar variation 4772113 (VCV004772113.1).